The following is an entry in ClinVar:

NM_000540.3(RYR1):c.1014C>A (p.Ile338=)

Gene: RYR1 (ryanodine receptor 1; plus strand). Cytogenetic location: 19q13.2.
Variant type: single nucleotide variant.
Coding change: c.1014C>A on transcript NM_000540.3 (MANE Select); coding-DNA position 1014, C replaced by A.
Protein change: p.Ile338=; no amino-acid change (isoleucine 338 retained).
Molecular consequence: synonymous variant.
Genome position (GRCh38, 1-based): chr19:38,448,705, C>A. VCF-style: chr19-38448705-C-A. GRCh37 (hg19) VCF-style: chr19-38939345-C-A.
Other names: c.1014C>A, p.Ile338= (NM_001042723.2).
Identifiers: ClinVar variation 132991 (VCV000132991.7), dbSNP rs8101510, ClinGen allele CA023818.
Genomic context (GRCh38, chr19:38,448,705, plus strand): 5'-GTAGGAGAAGCTGGATGTGGCCCCCAAGCGGGATGTGGAGGGCATGGGCCCCCCTGAGAT[C>A]AAGTACGGGGAGTCACTGTGCTTCGTGCAGCATGTGGCCTCAGGACTGTGGCTCACCTAT-3'
Protein context (NP_000531.2, residues 328-348): RDVEGMGPPE[Ile338=]KYGESLCFVQ

ClinVar aggregate classification (germline): Likely benign. Review status: criteria provided, multiple submitters, no conflicts (2 of 4 stars). 4 submissions from 4 submitters: Likely benign (3). 1 of the submissions does not count toward it. Last evaluated 2025-08-29.

Conditions:
RYR1-related disorder. Also called: RYR1-related disorders; RYR1-related condition. Identifiers: MedGen CN239331.
Malignant hyperthermia, susceptibility to, 1 (MHS1). Also called: Anesthesia related hyperthermia; Malignant hyperpyrexia; Fulminating hyperpyrexia; Pharmacogenic myopathy; RYR1-Related Malignant Hyperthermia Susceptibility; Malignant hyperthermia suceptibility 1. Identifiers: Orphanet 423, MedGen C2930980, MONDO:0007783, OMIM 145600.

Allele frequency attached by ClinVar (database versions not stated): gnomAD exomes below 0.00001 and 0.00003; gnomAD 0.00001; TOPMed 0.00001.
gnomAD v4.1: 51 of 1,614,128 alleles (0.0032%); highest among the groups gnomAD compares: Non-Finnish European, 0.0042%; no homozygotes.

Submissions (4):

PreventionGenetics, part of Exact Sciences
Classification: Likely benign for RYR1-related condition. Last evaluated: 2025-08-29. Review status: criteria provided, single submitter. Criteria: ACMG Guidelines, 2015. Collection method: clinical testing. Allele origin: germline.
Comment: This variant is classified as likely benign based on ACMG/AMP sequence variant interpretation guidelines (Richards et al. 2015 PMID: 25741868, with internal and published modifications).

Labcorp Genetics (formerly Invitae), Labcorp
Classification: Likely benign for RYR1-related disorder. Last evaluated: 2024-07-22. Review status: criteria provided, single submitter. Criteria: Invitae Variant Classification Sherloc (09022015). Collection method: clinical testing. Allele origin: germline.

All of Us Research Program, National Institutes of Health
Classification: Likely benign for Malignant hyperthermia, susceptibility to, 1. Last evaluated: 2024-05-14. Review status: criteria provided, single submitter. Criteria: ACMG Guidelines, 2015. Collection method: clinical testing. Allele origin: germline. Inheritance: Autosomal dominant inheritance. Observed: 3 variant alleles, 3 heterozygotes.
Comment: This study involves interpretation of variants in research participants for the purpose of population health screening. Participant phenotype was not available at the time of variant classification. Additional details can be found in publication PMID: 35346344, PMCID: PMC8962531

RYR1 database
No classification provided. Review status: no classification provided. Collection method: not provided. Allele origin: unknown. Not counted in ClinVar's aggregate classification.